The following is an entry in ClinVar:

NM_000207.3(INS):c.286T>C (p.Cys96Arg)

Genes: INS (insulin; minus strand), INS-IGF2 (INS-IGF2 readthrough; minus strand). Cytogenetic location: 11p15.5.
Variant type: single nucleotide variant.
Coding change: c.286T>C on transcript NM_000207.3 (MANE Select); coding-DNA position 286, T replaced by C.
Protein change: p.Cys96Arg; replaces cysteine 96 with arginine.
Molecular consequence: missense variant. On other transcripts: intron variant (1).
Genome position (GRCh38, 1-based): chr11:2,159,899, A>G on the plus strand (T>C on the coding strand, the complement: INS is on the minus strand). VCF-style: chr11-2159899-A-G. GRCh37 (hg19) VCF-style: chr11-2181129-A-G.
Other names: c.286T>C, p.Cys96Arg (NM_001185097.2, NM_001185098.2, NM_001291897.2); c.187+886T>C (NM_001042376.3); short protein forms C96R.
Identifiers: ClinVar variation 918067 (VCV000918067.3), dbSNP rs1845839718, ClinGen allele CA379120861.

ClinVar aggregate classification (germline): Likely pathogenic/Likely risk allele. Review status: criteria provided, multiple submitters, no conflicts (2 of 4 stars). 3 submissions from 3 submitters: Likely pathogenic (1); Likely risk allele (1). 1 of the submissions does not count toward it. Last evaluated 2025-05-21.

Conditions:
Diabetes mellitus. Also called: Diabetes mellitus (disease). Identifiers: MedGen C0011849, MONDO:0005015, HP:0000819.
Diabetes mellitus, permanent neonatal 4. Also called: INS-Related Permanent Neonatal Diabetes Mellitus. Identifiers: MedGen C5394307, MONDO:0030089, OMIM 618858.
Type 1 diabetes mellitus 2. Identifiers: MedGen C1852092, MONDO:0007454, OMIM 125852.

Submissions (3):

3billion
Classification: Likely pathogenic for Diabetes mellitus, permanent neonatal 4. Last evaluated: 2025-05-21. Review status: criteria provided, single submitter. Criteria: ACMG Guidelines, 2015. Collection method: clinical testing. Allele origin: germline. Affected: yes.
Comment: The variant is not observed in the gnomAD v4.1.0 dataset. Predicted Consequence/Location: Missense variant. Missense changes are a common disease-causing mechanism. In silico tool predictions suggest damaging effect of the variant on gene or gene product [REVEL: 0.96 (>=0.6, sensitivity 0.68 and specificity 0.92); 3Cnet: 0.98 (> 0.75, sensitivity 0.96 and precision 0.92)]. The same nucleotide change resulting in the same amino acid change has been previously reported to be associated with INS-related disorder (ClinVar ID: VCV000918067 /PMID: 22957706). Different missense changes at the same codon (p.Cys96Phe, p.Cys96Ser, p.Cys96Tyr) have been reported as pathogenic/likely pathogenic with strong evidence (ClinVar ID: VCV000013387 /PMID: 17855560, 18162506, 28597946). Therefore, this variant is classified as Likely pathogenic according to the recommendation of ACMG/AMP guideline.

Clinical Genomics, Uppaluri K&H Personalized Medicine Clinic
Classification: Likely risk allele for Type 1 diabetes mellitus 2. Review status: criteria provided, single submitter. Criteria: K &amp; H Uppaluri Personalized Medicine Clinic Variant Classification &amp; Assertion Criteria_Updated V.1. Collection method: research. Allele origin: unknown. Inheritance: Autosomal dominant inheritance.
Comment: Potent mutations in the INS gene can cause early onset diabetes mellitus which is insulin dependent. May have poor response to sulfonylureas, as mutations in this gene can cause beta cell destruction.This particular variant (C96R) rs1845839718 seems to be likely pathogenic, causing diabetes as carriers. However, more evidence is required for further validation of this variants impact via clinical studies.

Constantin Polychronakos Laboratory, The Research Institute of the McGill University Health Centre
Classification: Likely pathogenic for Diabetes mellitus. Review status: no assertion criteria provided. Collection method: research. Allele origin: paternal, germline. Inheritance: Autosomal dominant inheritance. Affected: yes. Study: T1DGC. Not counted in ClinVar's aggregate classification.
Comment: PM1 PM2 PM5 PP2 PP4

Literature cited by the submitters: PubMed 22957706 (cited by 3billion and Clinical Genomics, Uppaluri K&H Personalized Medicine Clinic); PubMed 17855560 (cited by 3billion).